The following is an entry in ClinVar:

NM_000138.5(FBN1):c.7617del (p.Ile2540fs)

Gene: FBN1 (fibrillin 1; minus strand). Cytogenetic location: 15q21.1.
Variant type: Deletion.
Coding change: c.7617del on transcript NM_000138.5 (MANE Select); coding-DNA position 7617, one base deleted (C; older notation c.7617delC).
Protein change: p.Ile2540fs; shifts the reading frame from isoleucine 2540.
Molecular consequence: frameshift variant.
Genome position (GRCh38, 1-based): chr15:48,421,640, G deleted on the plus strand (C on the coding strand, the reverse complement: FBN1 is on the minus strand). VCF-style (leftmost placement, unchanged base first): chr15-48421639-TG-T. GRCh37 (hg19) VCF-style: chr15-48713836-TG-T.
Other names: short protein forms I2540fs.
Identifiers: ClinVar variation 1455830 (VCV001455830.6), dbSNP rs2141221916, ClinGen allele CA2573150906.

ClinVar aggregate classification (germline): Pathogenic (1 of 4 stars; one submission).

Conditions:
Marfan syndrome (MFS). Also called: MARFAN SYNDROME, TYPE I; Marfan syndrome type 1; Marfan's syndrome; Marfan syndrome, classic; FBN1-Related Marfan Syndrome. Identifiers: Orphanet 284963, Orphanet 558, MedGen C0024796, MONDO:0007947, OMIM 154700.
Familial thoracic aortic aneurysm and aortic dissection (TAAD). Also called: Thoracic aortic aneurysms and dissections. Identifiers: Orphanet 91387, MedGen C4707243, MONDO:0019625.

Submission:

Labcorp Genetics (formerly Invitae), Labcorp
Classification: Pathogenic for Marfan syndrome; Familial thoracic aortic aneurysm and aortic dissection. Last evaluated: 2021-06-23. Review status: criteria provided, single submitter. Criteria: Invitae Variant Classification Sherloc (09022015). Collection method: clinical testing. Allele origin: germline.
Comment: For these reasons, this variant has been classified as Pathogenic. This variant has not been reported in the literature in individuals with FBN1-related conditions. This variant is not present in population databases (ExAC no frequency). This sequence change creates a premature translational stop signal (p.Ile2540Phefs*142) in the FBN1 gene. It is expected to result in an absent or disrupted protein product. Loss-of-function variants in FBN1 are known to be pathogenic (PMID: 17657824, 19293843).

Literature cited by the submitters: PubMed 17657824; PubMed 19293843.